The following is an entry in ClinVar:

NM_001211.6(BUB1B):c.1693G>C (p.Glu565Gln)

Gene: BUB1B (BUB1 mitotic checkpoint serine/threonine kinase B; plus strand). Cytogenetic location: 15q15.1.
Variant type: single nucleotide variant.
Coding change: c.1693G>C on transcript NM_001211.6 (MANE Select); coding-DNA position 1693, G replaced by C.
Protein change: p.Glu565Gln; replaces glutamic acid 565 with glutamine.
Molecular consequence: missense variant.
Genome position (GRCh38, 1-based): chr15:40,202,653, G>C. VCF-style: chr15-40202653-G-C. GRCh37 (hg19) VCF-style: chr15-40494854-G-C.
Other names: short protein forms E565Q.
Identifiers: ClinVar variation 1447786 (VCV001447786.8), dbSNP rs893593630, ClinGen allele CA391691660.

ClinVar aggregate classification (germline): Uncertain significance (1 of 4 stars; one submission).

Conditions:
Mosaic variegated aneuploidy syndrome 1 (MVA1). Also called: Warburton-Anyane-Yeboa syndrome. Identifiers: Orphanet 1052, MedGen C1850343, MONDO:0009759, OMIM 257300.

gnomAD v4.1: 4 of 1,614,118 alleles (0.00025%); highest among the groups gnomAD compares: Non-Finnish European, 0.00025%; no homozygotes.

Submission:

Labcorp Genetics (formerly Invitae), Labcorp
Classification: Uncertain significance for Mosaic variegated aneuploidy syndrome 1. Last evaluated: 2022-10-31. Review status: criteria provided, single submitter. Criteria: Invitae Variant Classification Sherloc (09022015). Collection method: clinical testing. Allele origin: germline.
Comment: In summary, the available evidence is currently insufficient to determine the role of this variant in disease. Therefore, it has been classified as a Variant of Uncertain Significance. Algorithms developed to predict the effect of missense changes on protein structure and function (SIFT, PolyPhen-2, Align-GVGD) all suggest that this variant is likely to be tolerated. ClinVar contains an entry for this variant (Variation ID: 1447786). This variant has not been reported in the literature in individuals affected with BUB1B-related conditions. This variant is not present in population databases (gnomAD no frequency). This sequence change replaces glutamic acid, which is acidic and polar, with glutamine, which is neutral and polar, at codon 565 of the BUB1B protein (p.Glu565Gln).